The following is an entry in ClinVar:

ClinVar aggregate classification (germline): Benign. Review status: reviewed by expert panel (3 of 4 stars). 16 submissions from 14 submitters: Benign (1). 15 of the submissions do not count toward it. Last evaluated 2025-01-02.

Conditions:
Mucopolysaccharidosis type 1. Also called: IDUA deficiency; MPS I; Mucopolysaccharidosis Type I. Identifiers: Orphanet 579, MedGen C0023786, MONDO:0001586.
Mucopolysaccharidosis, MPS-I-S. Also called: Scheie Syndrome; MPS V; MUCOPOLYSACCHARIDOSIS TYPE V; MUCOPOLYSACCHARIDOSIS TYPE IS. Identifiers: Orphanet 93474, MedGen C0026708, MONDO:0011760, OMIM 607016.
Hurler syndrome. Also called: Gargoylism, Hurler Syndrome; MUCOPOLYSACCHARIDOSIS TYPE IH; Severe MPS I (Hurler Syndrome). Identifiers: Orphanet 93473, MedGen C0086795, MONDO:0011758, OMIM 607014.
Mucopolysaccharidosis, MPS-I-H/S. Also called: Mucopolysaccharidosis type IH/S. Identifiers: Orphanet 93476, MedGen C0086431, MONDO:0011759, OMIM 607015.

Allele frequency attached by ClinVar (database versions not stated): gnomAD exomes 0.16216 and 0.17265; gnomAD 0.16952 and 0.17323; TOPMed 0.17053; ESP Exome Variant Server 0.17530; ExAC 0.18198; 1000 Genomes Project 30x 0.21752; 1000 Genomes Project 0.21985.
gnomAD v4.1: 263,639 of 1,613,002 alleles (16%); highest among the groups gnomAD compares: South Asian, 30%; 23,253 homozygotes.

Submissions (16):

ClinGen Lysosomal Storage Disorder Variant Curation Expert Panel
Classification: Benign for Mucopolysaccharidosis type 1. Last evaluated: 2025-01-02. Review status: reviewed by expert panel. Criteria: ClinGen LSD ACMG Specifications IDUA V1.0.0. Collection method: curation. Allele origin: germline. Inheritance: Autosomal recessive inheritance.
Comment: The NM_000203.5:c.543T>C variant in IDUA is a synonymous (silent) variant (p.Asn181=). The Grpmax Filtering AF (95% confidence) in gnomAD v4.1.0 is 0.2950 in the South Asian population. This is higher than the ClinGen Lysosomal Diseases VCEP’s threshold for BA1 (>0.005), and therefore meets this criterion (BA1). There is a ClinVar entry for this variant (Variation ID: 92645). In summary, this variant meets the criteria to be classified as benign for mucopolysaccharidosis type 1. IDUA-specific ACMG/AMP criteria applied, as specified by the ClinGen Lysosomal Diseases Variant Curation Expert Panel (Specifications Version 1.0.0): BA1. (Classification approved by the ClinGen Lysosomal Diseases Variant Curation Expert Panel on January 2, 2025)

Labcorp Genetics (formerly Invitae), Labcorp
Classification: Benign for Mucopolysaccharidosis type 1. Last evaluated: 2026-02-04. Review status: criteria provided, single submitter. Criteria: Invitae Variant Classification Sherloc (09022015). Collection method: clinical testing. Allele origin: germline. Not counted in ClinVar's aggregate classification.

Blueprint Genetics
Classification: Benign. Last evaluated: 2024-11-26. Review status: criteria provided, single submitter. Criteria: ACMG Guidelines, 2015. Collection method: clinical testing. Allele origin: germline. Not counted in ClinVar's aggregate classification.

Genome-Nilou Lab
Classification: Benign for Hurler syndrome. Last evaluated: 2021-07-10. Review status: criteria provided, single submitter. Criteria: ACMG Guidelines, 2015. Collection method: clinical testing. Allele origin: germline. Affected: no. Not counted in ClinVar's aggregate classification.

Genome-Nilou Lab
Classification: Benign for Mucopolysaccharidosis, MPS-I-H/S. Last evaluated: 2021-07-10. Review status: criteria provided, single submitter. Criteria: ACMG Guidelines, 2015. Collection method: clinical testing. Allele origin: germline. Affected: no. Not counted in ClinVar's aggregate classification.

Genome-Nilou Lab
Classification: Benign for Mucopolysaccharidosis, MPS-I-S. Last evaluated: 2021-07-10. Review status: criteria provided, single submitter. Criteria: ACMG Guidelines, 2015. Collection method: clinical testing. Allele origin: germline. Affected: no. Not counted in ClinVar's aggregate classification.

GeneDx
Classification: Benign. Last evaluated: 2018-07-05. Review status: criteria provided, single submitter. Criteria: GeneDx Variant Classification Process June 2021. Collection method: clinical testing. Allele origin: germline. Affected: yes. Not counted in ClinVar's aggregate classification.

Illumina Laboratory Services, Illumina
Classification: Benign for Mucopolysaccharidosis type 1. Last evaluated: 2018-01-13. Review status: criteria provided, single submitter. Criteria: ICSL Variant Classification Criteria 13 December 2019. Collection method: clinical testing. Allele origin: germline. Not counted in ClinVar's aggregate classification.
Comment: This variant was observed in the ICSL laboratory as part of a predisposition screen in an ostensibly healthy population. It had not been previously curated by ICSL or reported in the Human Gene Mutation Database (HGMD: prior to June 1st, 2018), and was therefore a candidate for classification through an automated scoring system. Utilizing variant allele frequency, disease prevalence and penetrance estimates, and inheritance mode, an automated score was calculated to assess if this variant is too frequent to cause the disease. Based on the score and internal cut-off values, a variant classified as benign is not then subjected to further curation. The score for this variant resulted in a classification of benign for this disease.

Eurofins Ntd Llc (ga)
Classification: Benign. Last evaluated: 2017-11-02. Review status: criteria provided, single submitter. Criteria: EGL Classification Definitions 2015. Collection method: clinical testing. Allele origin: germline. Observed: 40 variant alleles, 34 heterozygotes, 6 homozygotes. Not counted in ClinVar's aggregate classification.

Breakthrough Genomics
Classification: Benign. Review status: criteria provided, single submitter. Criteria: ACMG Guidelines, 2015. Collection method: not provided. Allele origin: germline. Inheritance: Autosomal recessive inheritance. Affected: yes. Not counted in ClinVar's aggregate classification.

PreventionGenetics, part of Exact Sciences
Classification: Benign. Review status: criteria provided, single submitter. Criteria: ACMG Guidelines, 2015. Collection method: clinical testing. Allele origin: germline. Not counted in ClinVar's aggregate classification.

Natera, Inc.
Classification: Benign for Mucopolysaccharidosis type I. Last evaluated: 2017-05-11. Review status: no assertion criteria provided. Collection method: clinical testing. Allele origin: germline. Not counted in ClinVar's aggregate classification.

Mayo Clinic Laboratories, Mayo Clinic
Classification: Benign. Last evaluated: 2016-02-02. Review status: no assertion criteria provided. Collection method: clinical testing. Allele origin: unknown. Not counted in ClinVar's aggregate classification.

Clinical Genetics DNA and cytogenetics Diagnostics Lab, Erasmus MC, Erasmus Medical Center
Classification: Benign. Review status: no assertion criteria provided. Collection method: clinical testing. Allele origin: germline. Affected: yes. Study: VKGL Data-share Consensus. Not counted in ClinVar's aggregate classification.

Clinical Genetics, Academic Medical Center
Classification: Benign. Review status: no assertion criteria provided. Collection method: clinical testing. Allele origin: germline. Affected: yes. Study: VKGL Data-share Consensus. Not counted in ClinVar's aggregate classification.

Diagnostic Laboratory, Department of Genetics, University Medical Center Groningen
Classification: Benign. Review status: no assertion criteria provided. Collection method: clinical testing. Allele origin: germline. Affected: yes. Study: VKGL Data-share Consensus. Not counted in ClinVar's aggregate classification.

NM_000203.5(IDUA):c.543T>C (p.Asn181=)

Gene: IDUA (alpha-L-iduronidase; plus strand). Cytogenetic location: 4p16.3.
Variant type: single nucleotide variant.
Coding change: c.543T>C on transcript NM_000203.5 (MANE Select); coding-DNA position 543, T replaced by C.
Protein change: p.Asn181=; no amino-acid change (asparagine 181 retained).
Molecular consequence: synonymous variant. On other transcripts: non-coding transcript variant (1).
Genome position (GRCh38, 1-based): chr4:1,001,517, T>C. VCF-style: chr4-1001517-T-C. GRCh37 (hg19) VCF-style: chr4-995305-T-C.
Other names: NM_000203.5(IDUA):c.543T>C; p.Asn181=; c.147T>C, p.Asn49= (NM_001363576.1).
Identifiers: ClinVar variation 92645 (VCV000092645.35), dbSNP rs6815946, ClinGen allele CA145885.
Genomic context (GRCh38, chr4:1,001,517, plus strand): 5'-CTCCTCTGCAGGTAGGTACGGACTGGCGCATGTTTCCAAGTGGAACTTCGAGACGTGGAA[T>C]GAGCCAGACCACCACGACTTTGACAACGTCTCCATGACCATGCAAGGTGTGCACCGCTTC-3'
Protein context (NP_000194.2, residues 171-191): HVSKWNFETW[Asn181=]EPDHHDFDNV